The following is an entry in ClinVar:

NC_000006.11:g.(?_45479963)_(45923001_?)del

Genes: CLIC5 (chloride intracellular channel 5; minus strand), RUNX2 (RUNX family transcription factor 2; plus strand). Cytogenetic location: 6p21.1.
Variant type: Deletion.
Identifiers: ClinVar variation 3246086 (VCV003246086.1).

ClinVar aggregate classification (germline): Pathogenic (1 of 4 stars; one submission).

Submission:

Labcorp Genetics (formerly Invitae), Labcorp
Classification: Pathogenic. Last evaluated: 2022-11-24. Review status: criteria provided, single submitter. Criteria: Invitae Variant Classification Sherloc (09022015). Collection method: clinical testing. Allele origin: unknown.
Comment: For these reasons, this variant has been classified as Pathogenic. This variant disrupts a region of the RUNX2 protein in which other variant(s) (p.Gly462*) have been determined to be pathogenic (PMID: 28703881). This suggests that this is a clinically significant region of the protein, and that variants that disrupt it are likely to be disease-causing. This variant has not been reported in the literature in individuals affected with RUNX2-related conditions. This variant is a gross deletion of the genomic region encompassing exon(s) 7-9 of the RUNX2 gene, which includes the termination codon. This deletion extends beyond the assayed region for this gene and therefore may encompass additional genes. While this deletion is not anticipated to lead to nonsense mediated decay, it is expected to alter mRNA translation or result in a truncated protein product.

Literature cited by the submitters: PubMed 28703881.